The following is an entry in ClinVar:

NM_000090.4(COL3A1):c.334-4T>G

Gene: COL3A1 (collagen type III alpha 1 chain; plus strand). Cytogenetic location: 2q32.2.
Variant type: single nucleotide variant.
Coding change: c.334-4T>G on transcript NM_000090.4 (MANE Select); 4 bases into the intron before coding-DNA position 334, T replaced by G.
Molecular consequence: intron variant.
Genome position (GRCh38, 1-based): chr2:188,985,661, T>G. VCF-style: chr2-188985661-T-G. GRCh37 (hg19) VCF-style: chr2-189850387-T-G.
Identifiers: ClinVar variation 3710623 (VCV003710623.8).

ClinVar aggregate classification (germline): Conflicting classifications of pathogenicity. Review status: criteria provided, conflicting classifications (1 of 4 stars). 2 submissions from 2 submitters: Uncertain significance (1); Likely benign (1). Last evaluated 2025-10-01.

Conditions:
Ehlers-Danlos syndrome, type 4 (EDSVASC). Also called: Ehlers-Danlos syndrome vascular type; Ehlers Danlos syndrome, ecchymotic type; Ehlers Danlos syndrome, arterial type; Ehlers Danlos syndrome, Sack-Barabas type; Ehlers-Danlos Syndrome Type IV. Identifiers: Orphanet 286, MedGen C0268338, MONDO:0017314, OMIM 130050.

gnomAD v4.1: 1 of 1,597,436 alleles (0.000063%); highest among the groups gnomAD compares: Non-Finnish European, 0.000086%; no homozygotes.

Submissions (2):

CeGaT Center for Human Genetics Tuebingen
Classification: Uncertain significance. Last evaluated: 2025-10-01. Review status: criteria provided, single submitter. Criteria: CeGaT Center For Human Genetics Tuebingen Variant Classification Criteria Version 2. Collection method: clinical testing. Allele origin: germline. Affected: yes. Observed: 1 variant allele.
Comment: COL3A1: PM2, BP4

Labcorp Genetics (formerly Invitae), Labcorp
Classification: Likely benign for Ehlers-Danlos syndrome, type 4. Last evaluated: 2025-08-10. Review status: criteria provided, single submitter. Criteria: Invitae Variant Classification Sherloc (09022015). Collection method: clinical testing. Allele origin: germline.